The following is an entry in ClinVar:

NM_003361.4(UMOD):c.148T>A (p.Cys50Ser)

Gene: UMOD (uromodulin; minus strand). Cytogenetic location: 16p12.3.
Variant type: single nucleotide variant.
Coding change: c.148T>A on transcript NM_003361.4 (MANE Select); coding-DNA position 148, T replaced by A.
Protein change: p.Cys50Ser; replaces cysteine 50 with serine.
Molecular consequence: missense variant. On other transcripts: non-coding transcript variant (1).
Genome position (GRCh38, 1-based): chr16:20,349,153, A>T on the plus strand (T>A on the coding strand, the complement: UMOD is on the minus strand). VCF-style: chr16-20349153-A-T. GRCh37 (hg19) VCF-style: chr16-20360475-A-T.
Other names: c.148T>A, p.Cys50Ser (NM_001008389.3, NM_001378232.1, NM_001378233.1 and 3 more transcripts); c.247T>A, p.Cys83Ser (NM_001278614.2); short protein forms C50S, C83S.
Identifiers: ClinVar variation 1312490 (VCV001312490.4), dbSNP rs2141677149, ClinGen allele CA394987868.

ClinVar aggregate classification (germline): not provided (0 of 4 stars; one submission).

Conditions:
Familial juvenile hyperuricemic nephropathy type 1 (ADTKD1). Also called: Autosomal Dominant Tubulointerstitial Kidney Disease – UMOD; Glomerulocystic kidney disease with hyperuricemia and isosthenuria; Medullary cystic kidney disease 2; UMOD-Associated Kidney Disease; Uromodulin-associated kidney disease. Identifiers: Orphanet 209886, Orphanet 34149, Orphanet 88950, MedGen C4551496, MONDO:0008073, OMIM 162000.

Submission:

GeneReviews
No classification provided. Condition: Familial juvenile hyperuricemic nephropathy type 1. Review status: no classification provided. Collection method: literature only. Allele origin: germline.
Comment: Possible association with Early onset of ESRD

Literature cited by the submitters: PubMed 32954071.